The following is an entry in ClinVar:

NM_153240.5(NPHP3):c.116G>T (p.Arg39Leu)

Genes: NPHP3-AS1 (NPHP3 antisense RNA 1; plus strand), NPHP3 (nephrocystin 3; minus strand), NPHP3-ACAD11 (NPHP3-ACAD11 readthrough (NMD candidate); minus strand), LOC129937586 (ATAC-STARR-seq lymphoblastoid silent region 14743; plus strand). Cytogenetic location: 3q22.1.
Variant type: single nucleotide variant.
Coding change: c.116G>T on transcript NM_153240.5 (MANE Select); coding-DNA position 116, G replaced by T.
Protein change: p.Arg39Leu; replaces arginine 39 with leucine.
Molecular consequence: missense variant. On other transcripts: non-coding transcript variant (3).
Genome position (GRCh38, 1-based): chr3:132,722,240, C>A on the plus strand (G>T on the coding strand, the complement: NPHP3 is on the minus strand). VCF-style: chr3-132722240-C-A. GRCh37 (hg19) VCF-style: chr3-132441084-C-A.
Other names: c.116G>T (NM_153240.4); short protein forms R39L.
Identifiers: ClinVar variation 999142 (VCV000999142.7), dbSNP rs753467164, ClinGen allele CA2622709.
Genomic context (GRCh38, chr3:132,722,240, plus strand): 5'-GACCCGGGCCCGGCCCCTGCTGCCGCCCCCGCGCCTCGGCGGAACGAGTTGCGCAGCAGG[C>A]GGGCCTTGGGCTTCACCTCCACCGGGATCTCGCAGGCCTCGCCGCCGCCCGCCCCGTACG-3'
Protein context (NP_694972.3, residues 29-49): EIPVEVKPKA[Arg39Leu]LLRNSFRRGA

ClinVar aggregate classification (germline): Uncertain significance. Review status: criteria provided, multiple submitters, no conflicts (2 of 4 stars). 3 submissions from 3 submitters: Uncertain significance (3). Last evaluated 2024-04-04.

Conditions:
Nephronophthisis 3 (NPHP3). Also called: Adolescent nephronophthisis. Identifiers: Orphanet 655, MedGen C1858392, MONDO:0011456, OMIM 604387.
Renal-hepatic-pancreatic dysplasia 1 (RHPD1). Identifiers: MedGen C3715199, MONDO:0008833, OMIM 208540.
NPHP3-related Meckel-like syndrome. Also called: GOLDSTON SYNDROME; Meckel syndrome type 7. Identifiers: Orphanet 3032, MedGen C2673885, MONDO:0009966, OMIM 267010.
Nephronophthisis. Also called: Juvenile Nephronophthisis. Identifiers: Orphanet 655, MedGen C0687120, MONDO:0019005, HP:0000090.
NPHP3-related disorder. Also called: NPHP3-related condition; NPHP3-related disorders. Identifiers: MedGen CN379163.

Allele frequency attached by ClinVar (database versions not stated): gnomAD 0.00001; gnomAD exomes 0.00001; ExAC 0.00003; TOPMed 0.00003.
gnomAD v4.1: 9 of 1,559,376 alleles (0.00058%); highest among the groups gnomAD compares: East Asian, 0.02%; no homozygotes.

Submissions (3):

Fulgent Genetics
Classification: Uncertain significance for Renal-hepatic-pancreatic dysplasia 1; NPHP3-related Meckel-like syndrome; Nephronophthisis 3. Last evaluated: 2024-04-04. Review status: criteria provided, single submitter. Criteria: ACMG Guidelines, 2015. Collection method: clinical testing. Allele origin: germline.

PreventionGenetics, part of Exact Sciences
Classification: Uncertain significance for NPHP3-related condition. Last evaluated: 2023-03-14. Review status: criteria provided, single submitter. Criteria: ACMG Guidelines, 2015. Collection method: clinical testing. Allele origin: germline.
Comment: The NPHP3 c.116G>T variant is predicted to result in the amino acid substitution p.Arg39Leu. To our knowledge, this variant has not been reported in the literature. This variant is reported in 0.021% of alleles in individuals of East Asian descent in gnomAD. At this time, the clinical significance of this variant is uncertain due to the absence of conclusive functional and genetic evidence.

Labcorp Genetics (formerly Invitae), Labcorp
Classification: Uncertain significance for Nephronophthisis. Last evaluated: 2022-03-03. Review status: criteria provided, single submitter. Criteria: Invitae Variant Classification Sherloc (09022015). Collection method: clinical testing. Allele origin: germline.
Comment: This sequence change replaces arginine, which is basic and polar, with leucine, which is neutral and non-polar, at codon 39 of the NPHP3 protein (p.Arg39Leu). This variant is present in population databases (rs753467164, gnomAD 0.02%). This variant has not been reported in the literature in individuals affected with NPHP3-related conditions. ClinVar contains an entry for this variant (Variation ID: 999142). Algorithms developed to predict the effect of missense changes on protein structure and function are either unavailable or do not agree on the potential impact of this missense change (SIFT: "Deleterious"; PolyPhen-2: "Benign"; Align-GVGD: "Class C0"). In summary, the available evidence is currently insufficient to determine the role of this variant in disease. Therefore, it has been classified as a Variant of Uncertain Significance.